The following is an entry in ClinVar:

NM_001165963.4(SCN1A):c.2815del (p.His939fs)

Gene: SCN1A (sodium voltage-gated channel alpha subunit 1; minus strand). Cytogenetic location: 2q24.3.
Variant type: Deletion.
Coding change: c.2815del on transcript NM_001165963.4 (MANE Select); coding-DNA position 2815, one base deleted (C; older notation c.2815delC).
Protein change: p.His939fs; shifts the reading frame from histidine 939.
Molecular consequence: frameshift variant. On other transcripts: non-coding transcript variant (1).
Genome position (GRCh38, 1-based): chr2:166,037,907, G deleted on the plus strand (C on the coding strand, the reverse complement: SCN1A is on the minus strand); the first of 2 consecutive G bases (chr2:166,037,907-166,037,908); deleting either gives the same sequence. VCF-style (leftmost placement, unchanged base first): chr2-166037906-TG-T. GRCh37 (hg19) VCF-style: chr2-166894416-TG-T.
Other names: c.2731del, p.His911fs (NM_001165964.3, NM_001353957.2, NM_001353958.2); c.2815del, p.His939fs (NM_001202435.3, NM_001353948.2); c.2782del, p.His928fs (NM_001353949.2, NM_001353950.2, NM_001353951.2 and 2 more transcripts); c.2779del, p.His927fs (NM_001353954.2, NM_001353955.2); c.2728del, p.His910fs (NM_001353960.2); c.373del, p.His125fs (NM_001353961.2); short protein forms H125fs, H910fs, H911fs, H927fs, H928fs, H939fs.
Identifiers: ClinVar variation 1709253 (VCV001709253.2), dbSNP rs2468096854, ClinGen allele CA2580064530.

ClinVar aggregate classification (germline): Likely pathogenic (1 of 4 stars; one submission).

Conditions:
Severe myoclonic epilepsy in infancy (DRVT). Also called: Epileptic encephalopathy, early infantile, 6 (Dravet syndrome); SEVERE MYOCLONIC EPILEPSY OF INFANCY; DEVELOPMENTAL AND EPILEPTIC ENCEPHALOPATHY 6A; Severe Myoclonic Epilepsy in Infancy (SMEI); Dravet syndrome. Identifiers: Orphanet 33069, MedGen C0751122, MONDO:0100135, OMIM 607208.

Submission:

MGZ Medical Genetics Center
Classification: Likely pathogenic for Severe myoclonic epilepsy in infancy. Last evaluated: 2022-03-14. Review status: criteria provided, single submitter. Criteria: ACMG Guidelines, 2015. Collection method: clinical testing. Allele origin: germline. Affected: yes. Observed: 1 variant allele.
Comment: ACMG criteria applied: PVS1, PM2_SUP